The following is an entry in ClinVar:

NM_006231.4(POLE):c.6136+4A>G

Gene: POLE (DNA polymerase epsilon, catalytic subunit; minus strand). Cytogenetic location: 12q24.33.
Variant type: single nucleotide variant.
Coding change: c.6136+4A>G on transcript NM_006231.4 (MANE Select); 4 bases into the intron after coding-DNA position 6136, A replaced by G.
Molecular consequence: intron variant.
Genome position (GRCh38, 1-based): chr12:132,632,660, T>C on the plus strand (A>G on the coding strand, the complement: POLE is on the minus strand). VCF-style: chr12-132632660-T-C. GRCh37 (hg19) VCF-style: chr12-133209246-T-C.
Identifiers: ClinVar variation 2859351 (VCV002859351.3), dbSNP rs2138463239, ClinGen allele CA2739277423.

ClinVar aggregate classification (germline): Uncertain significance (1 of 4 stars; one submission).

Submission:

Labcorp Genetics (formerly Invitae), Labcorp
Classification: Uncertain significance. Last evaluated: 2023-04-26. Review status: criteria provided, single submitter. Criteria: Invitae Variant Classification Sherloc (09022015). Collection method: clinical testing. Allele origin: germline.
Comment: In summary, the available evidence is currently insufficient to determine the role of this variant in disease. Therefore, it has been classified as a Variant of Uncertain Significance. Variants that disrupt the consensus splice site are a relatively common cause of aberrant splicing (PMID: 17576681, 9536098). Algorithms developed to predict the effect of sequence changes on RNA splicing suggest that this variant may disrupt the consensus splice site. This variant has not been reported in the literature in individuals affected with POLE-related conditions. This variant is not present in population databases (gnomAD no frequency). This sequence change falls in intron 44 of the POLE gene. It does not directly change the encoded amino acid sequence of the POLE protein. It affects a nucleotide within the consensus splice site.

Literature cited by the submitters: PubMed 17576681; PubMed 9536098.